The following is an entry in ClinVar:

NM_000081.4(LYST):c.10701+255T>G

Gene: LYST (lysosomal trafficking regulator; minus strand). Cytogenetic location: 1q42.3.
Variant type: single nucleotide variant.
Coding change: c.10701+255T>G on transcript NM_000081.4 (MANE Select); 255 bases into the intron after coding-DNA position 10701, T replaced by G.
Molecular consequence: intron variant.
Genome position (GRCh38, 1-based): chr1:235,693,095, A>C on the plus strand (T>G on the coding strand, the complement: LYST is on the minus strand). VCF-style: chr1-235693095-A-C. GRCh37 (hg19) VCF-style: chr1-235856395-A-C.
Other names: c.10701+255T>G (NM_001301365.1).
Identifiers: ClinVar variation 684367 (VCV000684367.1), dbSNP rs12122253, ClinGen allele CA10706855.

ClinVar aggregate classification (germline): Benign (1 of 4 stars; one submission).

Allele frequency attached by ClinVar (database versions not stated): 1000 Genomes Project 0.41414; 1000 Genomes Project 30x 0.42676; gnomAD 0.55674 and 0.57739; TOPMed 0.55739.
gnomAD v4.1: 84,492 of 151,958 alleles (56%); highest among the groups gnomAD compares: African/African-American, 73%; 25,294 homozygotes.

Submission:

GeneDx
Classification: Benign. Last evaluated: 2018-06-19. Review status: criteria provided, single submitter. Criteria: GeneDx Variant Classification (06012015). Collection method: clinical testing. Allele origin: germline. Affected: yes.
Comment: This variant is considered likely benign or benign based on one or more of the following criteria: it is a conservative change, it occurs at a poorly conserved position in the protein, it is predicted to be benign by multiple in silico algorithms, and/or has population frequency not consistent with disease.